The following is an entry in ClinVar:

ClinVar aggregate classification (germline): Uncertain significance (1 of 4 stars; one submission).

Conditions:
Renal cell carcinoma. Identifiers: Orphanet 217071, MedGen C0007134, MeSH D002292, MONDO:0005086, HP:0005584.

Submission:

Labcorp Genetics (formerly Invitae), Labcorp
Classification: Uncertain significance for Renal cell carcinoma. Last evaluated: 2021-10-03. Review status: criteria provided, single submitter. Criteria: Invitae Variant Classification Sherloc (09022015). Collection method: clinical testing. Allele origin: germline.
Comment: This sequence change replaces leucine with histidine at codon 386 of the MET protein (p.Leu386His). The leucine residue is highly conserved and there is a moderate physicochemical difference between leucine and histidine. This variant is not present in population databases (ExAC no frequency). In summary, the available evidence is currently insufficient to determine the role of this variant in disease. Therefore, it has been classified as a Variant of Uncertain Significance. Algorithms developed to predict the effect of missense changes on protein structure and function are either unavailable or do not agree on the potential impact of this missense change (SIFT: "Deleterious"; PolyPhen-2: "Probably Damaging"; Align-GVGD: "Class C0"). This variant has not been reported in the literature in individuals affected with MET-related conditions.

NM_000245.4(MET):c.1157T>A (p.Leu386His)

Gene: MET (MET proto-oncogene, receptor tyrosine kinase; plus strand). Cytogenetic location: 7q31.2.
Variant type: single nucleotide variant.
Coding change: c.1157T>A on transcript NM_000245.4 (MANE Select); coding-DNA position 1157, T replaced by A.
Protein change: p.Leu386His; replaces leucine 386 with histidine.
Molecular consequence: missense variant. On other transcripts: intron variant (1).
Genome position (GRCh38, 1-based): chr7:116,700,241, T>A. VCF-style: chr7-116700241-T-A. GRCh37 (hg19) VCF-style: chr7-116340295-T-A.
Other names: c.1157T>A, p.Leu386His (NM_001127500.3, NM_001324401.3); c.-91+27664T>A (NM_001324402.2); short protein forms L386H.
Identifiers: ClinVar variation 1467800 (VCV001467800.6), dbSNP rs1554379180, ClinGen allele CA368970667.